The following is an entry in ClinVar:

ClinVar aggregate classification (germline): Pathogenic (1 of 4 stars; one submission).

Conditions:
Early-infantile DEE. Also called: Ohtahara syndrome; Early infantile epileptic encephalopathy; Early infantile epileptic encephalopathy with suppression bursts. Identifiers: Orphanet 1934, MedGen C0393706, MONDO:0800491.

Submission:

Labcorp Genetics (formerly Invitae), Labcorp
Classification: Pathogenic for Early-infantile DEE. Last evaluated: 2022-05-28. Review status: criteria provided, single submitter. Criteria: Invitae Variant Classification Sherloc (09022015). Collection method: clinical testing. Allele origin: germline.
Comment: This sequence change creates a premature translational stop signal (p.Leu727Hisfs*2) in the SCN1A gene. It is expected to result in an absent or disrupted protein product. Loss-of-function variants in SCN1A are known to be pathogenic (PMID: 17347258, 18930999). This variant is not present in population databases (gnomAD no frequency). This variant has not been reported in the literature in individuals affected with SCN1A-related conditions. For these reasons, this variant has been classified as Pathogenic.

Literature cited by the submitters: PubMed 17347258; PubMed 18930999.

NM_001165963.4(SCN1A):c.2179_2180insA (p.Leu727fs)

Gene: SCN1A (sodium voltage-gated channel alpha subunit 1; minus strand). Cytogenetic location: 2q24.3.
Variant type: Insertion.
Coding change: c.2179_2180insA on transcript NM_001165963.4 (MANE Select); coding-DNA positions 2179 to 2180, A inserted.
Protein change: p.Leu727fs; shifts the reading frame from leucine 727.
Molecular consequence: frameshift variant. On other transcripts: 5 prime UTR variant (1), non-coding transcript variant (1).
Genome position: GRCh38 VCF-style: chr2-166041466-A-AT. GRCh37 (hg19) VCF-style: chr2-166897976-A-AT.
Other names: c.2095_2096insA, p.Leu699fs (NM_001165964.3, NM_001353957.2, NM_001353958.2); c.2179_2180insA, p.Leu727fs (NM_001202435.3, NM_001353948.2); c.2146_2147insA, p.Leu716fs (NM_001353949.2, NM_001353950.2, NM_001353951.2 and 2 more transcripts); c.2143_2144insA, p.Leu715fs (NM_001353954.2, NM_001353955.2); c.2092_2093insA, p.Leu698fs (NM_001353960.2); c.-280_-279insA (NM_001353961.2); short protein forms L715fs, L716fs, L699fs, L727fs, L698fs.
Identifiers: ClinVar variation 1999995 (VCV001999995.4), dbSNP rs2468133156, ClinGen allele CA2580064698.